The following is an entry in ClinVar:

NM_012073.5(CCT5):c.1229G>A (p.Arg410Gln)

Gene: CCT5 (chaperonin containing TCP1 subunit 5; plus strand). Cytogenetic location: 5p15.2.
Variant type: single nucleotide variant.
Coding change: c.1229G>A on transcript NM_012073.5 (MANE Select); coding-DNA position 1229, G replaced by A.
Protein change: p.Arg410Gln; replaces arginine 410 with glutamine.
Molecular consequence: missense variant.
Genome position (GRCh38, 1-based): chr5:10,262,530, G>A. VCF-style: chr5-10262530-G-A. GRCh37 (hg19) VCF-style: chr5-10262642-G-A.
Other names: c.1166G>A, p.Arg389Gln (NM_001306153.1); c.1064G>A, p.Arg355Gln (NM_001306154.2); c.950G>A, p.Arg317Gln (NM_001306155.2); c.1115G>A, p.Arg372Gln (NM_001306156.2); short protein forms R317Q, R355Q, R372Q, R389Q, R410Q.
Identifiers: ClinVar variation 1021115 (VCV001021115.8), dbSNP rs771944850, ClinGen allele CA3198300.

ClinVar aggregate classification (germline): Uncertain significance (1 of 4 stars; one submission).

Conditions:
Hereditary sensory and autonomic neuropathy with spastic paraplegia (HSNSP). Identifiers: Orphanet 139578, MedGen C1850395, MONDO:0009748, OMIM 256840.

Allele frequency attached by ClinVar (database versions not stated): gnomAD 0.00001; gnomAD exomes 0.00001 and 0.00002; ExAC 0.00002; TOPMed 0.00004.
gnomAD v4.1: 17 of 1,614,096 alleles (0.0011%); highest among the groups gnomAD compares: East Asian, 0.013%; no homozygotes.

Submission:

Labcorp Genetics (formerly Invitae), Labcorp
Classification: Uncertain significance for Hereditary sensory and autonomic neuropathy with spastic paraplegia. Last evaluated: 2022-02-24. Review status: criteria provided, single submitter. Criteria: Invitae Variant Classification Sherloc (09022015). Collection method: clinical testing. Allele origin: germline.
Comment: In summary, the available evidence is currently insufficient to determine the role of this variant in disease. Therefore, it has been classified as a Variant of Uncertain Significance. Algorithms developed to predict the effect of sequence changes on RNA splicing suggest that this variant may create or strengthen a splice site. Algorithms developed to predict the effect of missense changes on protein structure and function (SIFT, PolyPhen-2, Align-GVGD) all suggest that this variant is likely to be disruptive. ClinVar contains an entry for this variant (Variation ID: 1021115). This variant has not been reported in the literature in individuals affected with CCT5-related conditions. This variant is present in population databases (rs771944850, gnomAD 0.02%). This sequence change replaces arginine, which is basic and polar, with glutamine, which is neutral and polar, at codon 410 of the CCT5 protein (p.Arg410Gln).